The following is an entry in ClinVar:

NM_004370.6(COL12A1):c.589T>C (p.Tyr197His)

Gene: COL12A1 (collagen type XII alpha 1 chain; minus strand). Cytogenetic location: 6q13.
Variant type: single nucleotide variant.
Coding change: c.589T>C on transcript NM_004370.6 (MANE Select); coding-DNA position 589, T replaced by C.
Protein change: p.Tyr197His; replaces tyrosine 197 with histidine.
Molecular consequence: missense variant. On other transcripts: intron variant (1).
Genome position (GRCh38, 1-based): chr6:75,189,621, A>G on the plus strand (T>C on the coding strand, the complement: COL12A1 is on the minus strand). VCF-style: chr6-75189621-A-G. GRCh37 (hg19) VCF-style: chr6-75899337-A-G.
Other names: c.73+13099T>C (NM_080645.3); short protein forms Y197H.
Identifiers: ClinVar variation 1024333 (VCV001024333.11), dbSNP rs1769820873, ClinGen allele CA364728784.

ClinVar aggregate classification (germline): Uncertain significance. Review status: criteria provided, multiple submitters, no conflicts (2 of 4 stars). 2 submissions from 2 submitters: Uncertain significance (2). Last evaluated 2024-05-03.

Conditions:
Ullrich congenital muscular dystrophy 2 (UCMD2). Identifiers: Orphanet 75840, MedGen C4225314, MONDO:0014654, OMIM 616470.
Bethlem myopathy 2 (BTHLM2). Identifiers: Orphanet 536516, Orphanet 610, MedGen C4225313, MONDO:0034022, OMIM 616471.

Allele frequency attached by ClinVar (database versions not stated): gnomAD exomes below 0.00001; gnomAD 0.00001.
gnomAD v4.1: 2 of 1,613,250 alleles (0.00012%); highest among the groups gnomAD compares: Non-Finnish European, 0.00017%; no homozygotes.

Submissions (2):

Blueprint Genetics
Classification: Uncertain significance. Last evaluated: 2024-05-03. Review status: criteria provided, single submitter. Criteria: ACMG Guidelines, 2015. Collection method: clinical testing. Allele origin: germline.

Labcorp Genetics (formerly Invitae), Labcorp
Classification: Uncertain significance for Bethlem myopathy 2; Ullrich congenital muscular dystrophy 2. Last evaluated: 2020-01-21. Review status: criteria provided, single submitter. Criteria: Invitae Variant Classification Sherloc (09022015). Collection method: clinical testing. Allele origin: germline.
Comment: In summary, the available evidence is currently insufficient to determine the role of this variant in disease. Therefore, it has been classified as a Variant of Uncertain Significance. Algorithms developed to predict the effect of missense changes on protein structure and function are either unavailable or do not agree on the potential impact of this missense change (SIFT: "Deleterious"; PolyPhen-2: "Possibly Damaging"; Align-GVGD: "Class C0"). This variant has not been reported in the literature in individuals with COL12A1-related conditions. This variant is not present in population databases (ExAC no frequency). This sequence change replaces tyrosine with histidine at codon 197 of the COL12A1 protein (p.Tyr197His). The tyrosine residue is moderately conserved and there is a moderate physicochemical difference between tyrosine and histidine.